The following is an entry in ClinVar:

ClinVar aggregate classification (germline): Uncertain significance (1 of 4 stars; one submission).

Conditions:
Heterotopia, periventricular, X-linked dominant (PVNH1). Also called: PERIVENTRICULAR NODULAR HETEROTOPIA 4; HETEROTOPIA, PERIVENTRICULAR, 1; PERIVENTRICULAR NODULAR HETEROTOPIA 1; X-linked periventricular heterotopia. Identifiers: Orphanet 2149, Orphanet 82004, MedGen C1848213, MONDO:0010233, OMIM 300049.
Oto-palato-digital syndrome, type II (OPD2). Also called: Otopalatodigital Syndrome, Type II; FACIOPALATOOSSEOUS SYNDROME; OPD II SYNDROME; Otopalatodigital Syndrome Type 2 (FLNA-OPD2). Identifiers: Orphanet 669, Orphanet 90652, MedGen C1844696, MONDO:0010571, OMIM 304120.
Melnick-Needles syndrome (MNS). Also called: MELNICK-NEEDLES OSTEODYSPLASTY; OSTEODYSPLASTY OF MELNICK AND NEEDLES; Melnick-Needles Syndrome (FLNA-MNS). Identifiers: Orphanet 2484, MedGen C0025237, MONDO:0010650, OMIM 309350.
Frontometaphyseal dysplasia (FMD1). Identifiers: Orphanet 1826, MedGen C0265293, MONDO:0015942.

gnomAD v4.1: 3 of 1,210,793 alleles (0.00025%); highest among the groups gnomAD compares: South Asian, 0.0053%; no homozygotes.

Submission:

Labcorp Genetics (formerly Invitae), Labcorp
Classification: Uncertain significance for Oto-palato-digital syndrome, type II; Heterotopia, periventricular, X-linked dominant; Frontometaphyseal dysplasia; Melnick-Needles syndrome. Last evaluated: 2025-11-09. Review status: criteria provided, single submitter. Criteria: Invitae Variant Classification Sherloc (09022015). Collection method: clinical testing. Allele origin: germline.
Comment: This sequence change replaces serine, which is neutral and polar, with asparagine, which is neutral and polar, at codon 1514 of the FLNA protein (p.Ser1514Asn). This variant is not present in population databases (gnomAD no frequency). This variant has not been reported in the literature in individuals affected with FLNA-related conditions. Invitae Evidence Modeling of protein sequence and biophysical properties (such as structural, functional, and spatial information, amino acid conservation, physicochemical variation, residue mobility, and thermodynamic stability) indicates that this missense variant is not expected to disrupt FLNA protein function with a negative predictive value of 95%. In summary, the available evidence is currently insufficient to determine the role of this variant in disease. Therefore, it has been classified as a Variant of Uncertain Significance.

NM_001110556.2(FLNA):c.4541G>A (p.Ser1514Asn)

Gene: FLNA (filamin A; minus strand). Cytogenetic location: Xq28.
Variant type: single nucleotide variant.
Coding change: c.4541G>A on transcript NM_001110556.2 (MANE Select); coding-DNA position 4541, G replaced by A.
Protein change: p.Ser1514Asn; replaces serine 1514 with asparagine.
Molecular consequence: missense variant.
Genome position (GRCh38, 1-based): chrX:154,358,502, C>T on the plus strand (G>A on the coding strand, the complement: FLNA is on the minus strand). VCF-style: chrX-154358502-C-T. GRCh37 (hg19) VCF-style: chrX-153586870-C-T.
Other names: c.4541G>A, p.Ser1514Asn (NM_001456.4); short protein forms S1514N.
Identifiers: ClinVar variation 4789583 (VCV004789583.1).
Genomic context (GRCh38, chrX:154,358,502, plus strand): 5'-TACCTCCGGGGTACCTCTTCATCTCCATACAGTACTGAGATGCTGTAGGGCCCTTCTCGG[C>T]TGGGCACATAATTGACGGTCTGGGTGCCATCAGCGTTGTCTACCACGTCCACTGGCTCCA-3'
Protein context (NP_001104026.1, residues 1504-1524): DGTQTVNYVP[Ser1514Asn]REGPYSISVL